The following is an entry in ClinVar:

ClinVar aggregate classification (germline): Uncertain significance (1 of 4 stars; one submission).

Conditions:
Wilson-Turner syndrome (WTS). Also called: MENTAL RETARDATION, X-LINKED, SYNDROMIC 6; INTELLECTUAL DEVELOPMENTAL DISORDER, X-LINKED, SYNDROMIC, WILSON-TURNER TYPE. Identifiers: Orphanet 3459, MedGen C1839736, MONDO:0010665, OMIM 309585.

Allele frequency attached by ClinVar (database versions not stated): gnomAD exomes 0.00001; ExAC 0.00002.
gnomAD v4.1: 7 of 1,209,630 alleles (0.00058%); highest among the groups gnomAD compares: Admixed American, 0.013%; no homozygotes.

Submission:

Labcorp Genetics (formerly Invitae), Labcorp
Classification: Uncertain significance for Wilson-Turner syndrome. Last evaluated: 2024-06-28. Review status: criteria provided, single submitter. Criteria: Invitae Variant Classification Sherloc (09022015). Collection method: clinical testing. Allele origin: germline.
Comment: This sequence change replaces valine, which is neutral and non-polar, with leucine, which is neutral and non-polar, at codon 608 of the LAS1L protein (p.Val608Leu). This variant is present in population databases (rs747791247, gnomAD 0.02%). This variant has not been reported in the literature in individuals affected with LAS1L-related conditions. ClinVar contains an entry for this variant (Variation ID: 2169683). Advanced modeling of protein sequence and biophysical properties (such as structural, functional, and spatial information, amino acid conservation, physicochemical variation, residue mobility, and thermodynamic stability) performed at Invitae indicates that this missense variant is not expected to disrupt LAS1L protein function with a negative predictive value of 80%. In summary, the available evidence is currently insufficient to determine the role of this variant in disease. Therefore, it has been classified as a Variant of Uncertain Significance.

NM_031206.7(LAS1L):c.1822G>T (p.Val608Leu)

Gene: LAS1L (LAS1 like ribosome biogenesis factor; minus strand). Cytogenetic location: Xq12.
Variant type: single nucleotide variant.
Coding change: c.1822G>T on transcript NM_031206.7 (MANE Select); coding-DNA position 1822, G replaced by T.
Protein change: p.Val608Leu; replaces valine 608 with leucine.
Molecular consequence: missense variant. On other transcripts: non-coding transcript variant (1).
Genome position (GRCh38, 1-based): chrX:65,518,092, C>A on the plus strand (G>T on the coding strand, the complement: LAS1L is on the minus strand). VCF-style: chrX-65518092-C-A. GRCh37 (hg19) VCF-style: chrX-64737972-C-A.
Other names: c.1771G>T, p.Val591Leu (NM_001170649.2, NM_001375333.1); c.1645G>T, p.Val549Leu (NM_001170650.2); c.1822G>T, p.Val608Leu (NM_001375328.1); c.865G>T, p.Val289Leu (NM_001375332.1); short protein forms V289L, V549L, V608L, V591L.
Identifiers: ClinVar variation 2169683 (VCV002169683.4), dbSNP rs747791247, ClinGen allele CA10433872.